The following is an entry in ClinVar:

NM_206926.2(SELENON):c.1286-3C>T

Gene: SELENON (selenoprotein N; plus strand). Cytogenetic location: 1p36.11.
Variant type: single nucleotide variant.
Coding change: c.1286-3C>T on transcript NM_206926.2 (MANE Select); 3 bases into the intron before coding-DNA position 1286, C replaced by T.
Molecular consequence: intron variant.
Genome position (GRCh38, 1-based): chr1:25,813,878, C>T. VCF-style: chr1-25813878-C-T. GRCh37 (hg19) VCF-style: chr1-26140369-C-T.
Other names: c.1388-3C>T (NM_020451.3).
Identifiers: ClinVar variation 655387 (VCV000655387.6), dbSNP rs754894330, ClinGen allele CA696869.
Genomic context (GRCh38, chr1:25,813,878, plus strand): 5'-CCAAAGCAAGATTGCACCCCAGCAAGATGTGGGGGCGCCTCACCCTTCTGTCTTCCTGAA[C>T]AGGTTCAGGGCGGACTCTCCGGGAGACTGTCCTGGAAAGTTCGCCCATCCTCACCCTGCT-3'

ClinVar aggregate classification (germline): Uncertain significance. Review status: criteria provided, multiple submitters, no conflicts (2 of 4 stars). 2 submissions from 2 submitters: Uncertain significance (2). Last evaluated 2022-08-16.

Conditions:
Eichsfeld type congenital muscular dystrophy (CMYO3). Also called: Rigid spine muscular dystrophy 1; MYOPATHY, SEPN1-RELATED; SELENON-related myopathy; Congenital myopathy 3 with rigid spine. Identifiers: MedGen C0410180, MONDO:0100100, OMIM 602771.

Allele frequency attached by ClinVar (database versions not stated): gnomAD exomes 0.00001 and 0.00004; ExAC 0.00002; TOPMed 0.00006; gnomAD 0.00010 and 0.00011.
gnomAD v4.1: 42 of 1,613,064 alleles (0.0026%); highest among the groups gnomAD compares: Admixed American, 0.035%; no homozygotes.

Submissions (2):

Labcorp Genetics (formerly Invitae), Labcorp
Classification: Uncertain significance for Eichsfeld type congenital muscular dystrophy. Last evaluated: 2022-08-16. Review status: criteria provided, single submitter. Criteria: Invitae Variant Classification Sherloc (09022015). Collection method: clinical testing. Allele origin: germline.
Comment: This sequence change falls in intron 10 of the SELENON gene. It does not directly change the encoded amino acid sequence of the SELENON protein. It affects a nucleotide within the consensus splice site. This variant is present in population databases (rs754894330, gnomAD 0.02%). This variant has not been reported in the literature in individuals affected with SELENON-related conditions. ClinVar contains an entry for this variant (Variation ID: 655387). Variants that disrupt the consensus splice site are a relatively common cause of aberrant splicing (PMID: 17576681, 9536098). Algorithms developed to predict the effect of sequence changes on RNA splicing suggest that this variant is not likely to affect RNA splicing. In summary, the available evidence is currently insufficient to determine the role of this variant in disease. Therefore, it has been classified as a Variant of Uncertain Significance.

Revvity Omics, Revvity
Classification: Uncertain significance for Eichsfeld type congenital muscular dystrophy. Last evaluated: 2021-03-10. Review status: criteria provided, single submitter. Criteria: ACMG Guidelines, 2015. Collection method: clinical testing. Allele origin: germline.

Literature cited by the submitters: PubMed 17576681 (cited by Labcorp Genetics (formerly Invitae), Labcorp); PubMed 9536098 (cited by Labcorp Genetics (formerly Invitae), Labcorp).